The following is an entry in ClinVar:

ClinVar aggregate classification (germline): Uncertain significance (1 of 4 stars; one submission).

Conditions:
Primary dilated cardiomyopathy (DCM). Also called: Dilated Cardiomyopathy. Identifiers: Orphanet 217604, MedGen C0007193, MeSH D002311, MONDO:0005021, HP:0001644. Inheritance: Various modes of inheritance.

Allele frequency attached by ClinVar (database versions not stated): ESP Exome Variant Server 0.00008.

Submission:

Cardiovascular Biomedical Research Unit, Royal Brompton & Harefield NHS Foundation Trust
Classification: Uncertain significance for Primary dilated cardiomyopathy. Last evaluated: 2014-10-08. Review status: criteria provided, single submitter. Criteria: Roberts et al. 2015. Collection method: research. Allele origin: germline. Inheritance: Autosomal dominant inheritance. Affected: no. Observed: 1 variant allele. Study: WHI cohort.
Comment: In the seven cohorts assessed, TTNtv were found in 14% of ambulant DCM, 22% end-stage or familial DCM, and 2% controls. Heterozygous nonsense, frameshift and canonical splice-disrupting variants found in constitutive and other highly utilised exons are highly likely to be pathogenic when identified in individuals with phenotypically confirmed DCM. TTNtv found incidentally in healthy individuals (excluding familial assessment of DCM relatives) are thought to have low penetrance, particularly when identified in exons that are not constitutively expressed in the heart.

NM_001267550.2(TTN):c.96892C>T (p.Gln32298Ter)

Genes: TTN (titin; minus strand), TTN-AS1 (TTN antisense RNA 1; plus strand), LOC126806421 (CDK7 strongly-dependent group 2 enhancer GRCh37_chr2:179407630-179408829; plus strand). Cytogenetic location: 2q31.2.
Variant type: single nucleotide variant.
Coding change: c.96892C>T on transcript NM_001267550.2 (MANE Select); coding-DNA position 96892, C replaced by T.
Protein change: p.Gln32298Ter; replaces glutamine 32298 with a stop codon.
Molecular consequence: nonsense.
Genome position (GRCh38, 1-based): chr2:178,543,081, G>A on the plus strand (C>T on the coding strand, the complement: TTN is on the minus strand). VCF-style: chr2-178543081-G-A. GRCh37 (hg19) VCF-style: chr2-179407808-G-A.
Other names: c.91969C>T, p.Gln30657Ter (NM_001256850.1); c.69697C>T, p.Gln23233Ter (NM_003319.4); c.89188C>T, p.Gln29730Ter (NM_133378.4); c.70072C>T, p.Gln23358Ter (NM_133432.3); c.70273C>T, p.Gln23425Ter (NM_133437.4); c.96892C>T (LRG_391t1); short protein forms Q32298*, Q23233*, Q23425*, Q23358*, Q30657*, Q29730*.
Identifiers: ClinVar variation 223362 (VCV000223362.1), dbSNP rs201108270, ClinGen allele CA114677.